The following is an entry in ClinVar:

ClinVar aggregate classification (germline): Uncertain significance. Review status: criteria provided, multiple submitters, no conflicts (2 of 4 stars). 2 submissions from 2 submitters: Uncertain significance (2). Last evaluated 2024-05-14.

Conditions:
Inborn genetic diseases. Identifiers: MedGen C0950123, MeSH D030342.
Curry-Hall syndrome (WAD). Also called: WEYERS ACRODENTAL DYSOSTOSIS. Identifiers: Orphanet 952, MedGen C0457013, MONDO:0008673, OMIM 193530.
Ellis-van Creveld syndrome (EVC). Also called: EVC-Related Ellis-van Creveld Syndrome; EVC2-Related Ellis-van Creveld Syndrome; MESOECTODERMAL DYSPLASIA; Chondroectodermal dysplasia. Identifiers: Orphanet 289, MedGen C0013903, MONDO:0009162, OMIM 225500.

Submissions (2):

Ambry Genetics
Classification: Uncertain significance for Inborn genetic diseases. Last evaluated: 2024-05-14. Review status: criteria provided, single submitter. Criteria: Ambry Variant Classification Scheme 2023. Collection method: clinical testing. Allele origin: germline.

Labcorp Genetics (formerly Invitae), Labcorp
Classification: Uncertain significance for Curry-Hall syndrome; Ellis-van Creveld syndrome. Last evaluated: 2024-04-13. Review status: criteria provided, single submitter. Criteria: Invitae Variant Classification Sherloc (09022015). Collection method: clinical testing. Allele origin: germline.
Comment: This sequence change replaces alanine, which is neutral and non-polar, with aspartic acid, which is acidic and polar, at codon 1150 of the EVC2 protein (p.Ala1150Asp). This variant is not present in population databases (gnomAD no frequency). This variant has not been reported in the literature in individuals affected with EVC2-related conditions. An algorithm developed to predict the effect of missense changes on protein structure and function (PolyPhen-2) suggests that this variant is likely to be disruptive. In summary, the available evidence is currently insufficient to determine the role of this variant in disease. Therefore, it has been classified as a Variant of Uncertain Significance.

NM_147127.5(EVC2):c.3449C>A (p.Ala1150Asp)

Gene: EVC2 (EvC ciliary complex subunit 2; minus strand). Cytogenetic location: 4p16.2.
Variant type: single nucleotide variant.
Coding change: c.3449C>A on transcript NM_147127.5 (MANE Select); coding-DNA position 3449, C replaced by A.
Protein change: p.Ala1150Asp; replaces alanine 1150 with aspartic acid.
Molecular consequence: missense variant.
Genome position (GRCh38, 1-based): chr4:5,568,552, G>T on the plus strand (C>A on the coding strand, the complement: EVC2 is on the minus strand). VCF-style: chr4-5568552-G-T. GRCh37 (hg19) VCF-style: chr4-5570279-G-T.
Other names: c.3209C>A, p.Ala1070Asp (NM_001166136.2); short protein forms A1070D, A1150D.
Identifiers: ClinVar variation 3276662 (VCV003276662.3).